The following is an entry in ClinVar:

NM_020207.7(ERCC6L2):c.3764G>C (p.Arg1255Pro)

Gene: ERCC6L2 (ERCC excision repair 6 like 2; plus strand). Cytogenetic location: 9q22.32.
Variant type: single nucleotide variant.
Coding change: c.3764G>C on transcript NM_020207.7 (MANE Select); coding-DNA position 3764, G replaced by C.
Protein change: p.Arg1255Pro; replaces arginine 1255 with proline.
Molecular consequence: missense variant. On other transcripts: non-coding transcript variant (1), intron variant (2).
Genome position (GRCh38, 1-based): chr9:96,012,314, G>C. VCF-style: chr9-96012314-G-C. GRCh37 (hg19) VCF-style: chr9-98774596-G-C.
Other names: c.3674+7613G>C (NM_001375291.1, NM_001375292.1); short protein forms R1255P.
Identifiers: ClinVar variation 1715803 (VCV001715803.5), dbSNP rs779037122, ClinGen allele CA466120767.

ClinVar aggregate classification (germline): Uncertain significance (1 of 4 stars; one submission).

Submission:

Labcorp Genetics (formerly Invitae), Labcorp
Classification: Uncertain significance. Last evaluated: 2022-08-09. Review status: criteria provided, single submitter. Criteria: Invitae Variant Classification Sherloc (09022015). Collection method: clinical testing. Allele origin: germline.
Comment: In summary, the available evidence is currently insufficient to determine the role of this variant in disease. Therefore, it has been classified as a Variant of Uncertain Significance. Algorithms developed to predict the effect of missense changes on protein structure and function are either unavailable or do not agree on the potential impact of this missense change (SIFT: "Deleterious"; PolyPhen-2: "Not Available"; Align-GVGD: "Class C0"). This variant has not been reported in the literature in individuals affected with ERCC6L2-related conditions. This variant is not present in population databases (gnomAD no frequency). This sequence change replaces arginine, which is basic and polar, with proline, which is neutral and non-polar, at codon 1266 of the ERCC6L2 protein (p.Arg1266Pro).